The following is an entry in ClinVar:

NM_001330700.2(TOP2B):c.4148A>C (p.Asp1383Ala)

Gene: TOP2B (DNA topoisomerase II beta; minus strand). Cytogenetic location: 3p24.2.
Variant type: single nucleotide variant.
Coding change: c.4148A>C on transcript NM_001330700.2 (MANE Select); coding-DNA position 4148, A replaced by C.
Protein change: p.Asp1383Ala; replaces aspartic acid 1383 with alanine.
Molecular consequence: missense variant.
Genome position (GRCh38, 1-based): chr3:25,607,321, T>G on the plus strand (A>C on the coding strand, the complement: TOP2B is on the minus strand). VCF-style: chr3-25607321-T-G. GRCh37 (hg19) VCF-style: chr3-25648812-T-G.
Other names: c.4133A>C, p.Asp1378Ala (NM_001068.3); c.4133A>C (NM_001068.2); short protein forms D1383A, D1378A.
Identifiers: ClinVar variation 1361017 (VCV001361017.10), dbSNP rs369748980, ClinGen allele CA2288154.
Genomic context (GRCh38, chr3:25,607,321, plus strand): 5'-GTTATGGGAGATGCTTTAACTTTCAATTCCTCTAAATCATTATTGTCATCATCATCATCA[T>G]CAGCATCATCATCCTCTTCTTCTGAGAAATCAAATGTGTATTTAGGTCTTTCGGCTAGGA-3'
Protein context (NP_001317629.1, residues 1373-1393): DFSEEEDDDA[Asp1383Ala]DDDDDNNDLE

ClinVar aggregate classification (germline): Uncertain significance. Review status: criteria provided, multiple submitters, no conflicts (2 of 4 stars). 2 submissions from 2 submitters: Uncertain significance (2). Last evaluated 2025-06-08.

Allele frequency attached by ClinVar (database versions not stated): ESP Exome Variant Server 0.00008; gnomAD exomes 0.00011; ExAC 0.00020.
gnomAD v4.1: 125 of 1,551,990 alleles (0.0081%); highest among the groups gnomAD compares: South Asian, 0.02%; 1 homozygote.

Submissions (2):

Labcorp Genetics (formerly Invitae), Labcorp
Classification: Uncertain significance. Last evaluated: 2025-06-08. Review status: criteria provided, single submitter. Criteria: Invitae Variant Classification Sherloc (09022015). Collection method: clinical testing. Allele origin: germline.
Comment: This sequence change replaces aspartic acid, which is acidic and polar, with alanine, which is neutral and non-polar, at codon 1378 of the TOP2B protein (p.Asp1378Ala). This variant is present in population databases (rs369748980, gnomAD 0.04%), and has an allele count higher than expected for a pathogenic variant. This variant has not been reported in the literature in individuals affected with TOP2B-related conditions. ClinVar contains an entry for this variant (Variation ID: 1361017). An algorithm developed to predict the effect of missense changes on protein structure and function outputs the following: PolyPhen-2: "Benign". The alanine amino acid residue is found in multiple mammalian species, which suggests that this missense change does not adversely affect protein function. In summary, the available evidence is currently insufficient to determine the role of this variant in disease. Therefore, it has been classified as a Variant of Uncertain Significance.

Ambry Genetics
Classification: Uncertain significance. Last evaluated: 2025-04-09. Review status: criteria provided, single submitter. Criteria: Ambry Variant Classification Scheme 2023. Collection method: clinical testing. Allele origin: germline.